The following is an entry in ClinVar:

NM_000845.3(GRM8):c.96C>G (p.His32Gln)

Gene: GRM8 (glutamate metabotropic receptor 8; minus strand). Cytogenetic location: 7q31.33.
Variant type: single nucleotide variant.
Coding change: c.96C>G on transcript NM_000845.3 (MANE Select); coding-DNA position 96, C replaced by G.
Protein change: p.His32Gln; replaces histidine 32 with glutamine.
Molecular consequence: missense variant. On other transcripts: non-coding transcript variant (2), intron variant (1).
Genome position (GRCh38, 1-based): chr7:127,243,109, G>C on the plus strand (C>G on the coding strand, the complement: GRM8 is on the minus strand). VCF-style: chr7-127243109-G-C. GRCh37 (hg19) VCF-style: chr7-126883163-G-C.
Other names: c.96C>G, p.His32Gln (NM_001127323.1, NM_001371083.1, NM_001371084.1 and 3 more transcripts); c.-106+9688C>G (NM_001371087.1); short protein forms H32Q.
Identifiers: ClinVar variation 712684 (VCV000712684.7), dbSNP rs139046504, ClinGen allele CA4466265.

ClinVar aggregate classification (germline): Benign. Review status: criteria provided, multiple submitters, no conflicts (2 of 4 stars). 3 submissions from 3 submitters: Benign (2). 1 of the submissions does not count toward it. Last evaluated 2019-12-31.

Conditions:
GRM8-related disorder. Also called: GRM8-related condition.

Allele frequency attached by ClinVar (database versions not stated): gnomAD exomes 0.00028 and 0.00086; ExAC 0.00119; gnomAD 0.00354 and 0.00372; TOPMed 0.00410; 1000 Genomes Project 0.00499; ESP Exome Variant Server 0.00507; 1000 Genomes Project 30x 0.00515.
gnomAD v4.1: 961 of 1,614,028 alleles (0.06%); highest among the groups gnomAD compares: African/African-American, 1.1%; 9 homozygotes.

Submissions (3):

Labcorp Genetics (formerly Invitae), Labcorp
Classification: Benign. Last evaluated: 2019-12-31. Review status: criteria provided, single submitter. Criteria: Invitae Variant Classification Sherloc (09022015). Collection method: clinical testing. Allele origin: germline.

Breakthrough Genomics
Classification: Benign. Review status: criteria provided, single submitter. Criteria: ACMG Guidelines, 2015. Collection method: not provided. Allele origin: germline. Inheritance: Unknown mechanism. Affected: yes.

PreventionGenetics, part of Exact Sciences
Classification: Benign for GRM8-related condition. Last evaluated: 2019-05-02. Review status: no assertion criteria provided. Collection method: clinical testing. Allele origin: germline. Not counted in ClinVar's aggregate classification.
Comment: This variant is classified as benign based on ACMG/AMP sequence variant interpretation guidelines (Richards et al. 2015 PMID: 25741868, with internal and published modifications).